The following is an entry in ClinVar:

ClinVar aggregate classification (germline): Pathogenic (0 of 4 stars; one submission).

Conditions:
Angelman syndrome (AS). Also called: HAPPY PUPPET SYNDROME. Identifiers: Orphanet 72, MedGen C0162635, MONDO:0007113, OMIM 105830. Disease mechanism: loss of function. Inheritance: AS is caused by disruption of maternally imprinted UBE3A located within the 15q11.2-q13 Angelman syndrome/Prader-Willi syndrome (AS/PWS) region., imprinting disorder.

Submission:

Baylor Genetics
Classification: Pathogenic for Angelman Syndrome. Last evaluated: 2014-02-14. Review status: no assertion criteria provided. Collection method: clinical testing. Allele origin: germline. Affected: yes. Observed: 1 variant allele. Study: UBE3A Mutation Study.
Comment: Data collected from clinical UBE3A sequence analysis results

Literature cited by the submitters: PubMed 25212744.

NM_130839.5(UBE3A):c.1699_1702dup (p.Ser568fs)

Genes: SNHG14 (small nucleolar RNA host gene 14; plus strand), UBE3A (ubiquitin protein ligase E3A; minus strand). Cytogenetic location: 15q11.2.
Variant type: Duplication.
Coding change: c.1699_1702dup on transcript NM_130839.5 (MANE Select); coding-DNA positions 1699 to 1702, 4 bases duplicated (GTTT; older notation c.1699_1702dupGTTT).
Protein change: p.Ser568fs; shifts the reading frame from serine 568.
Molecular consequence: frameshift variant. On other transcripts: non-coding transcript variant (1).
Genome position (GRCh38, 1-based): chr15:25,360,434-25,360,437, AAAC duplicated on the plus strand (GTTT on the coding strand, the reverse complement: UBE3A is on the minus strand); duplicating any 4 consecutive bases within chr15:25,360,434-25,360,438 gives the same sequence; the c. name uses the placement nearest the transcript's 3' end. VCF-style (leftmost placement, unchanged base first): chr15-25360433-G-GAAAC. GRCh37 (hg19) VCF-style: chr15-25605580-G-GAAAC.
Other names: c.1708_1711dup, p.Ser571fs (NM_000462.5); c.1699_1702dup, p.Ser568fs (NM_001354505.1, NM_001354538.2, NM_001354545.2); c.1639_1642dup, p.Ser548fs (NM_001354506.2, NM_001354507.2, NM_001354508.2 and 17 more transcripts); c.1522_1525dup, p.Ser509fs (NM_001354546.2); c.448_451dup, p.Ser151fs (NM_001354550.2); c.388_391dup, p.Ser131fs (NM_001354551.2); short protein forms S571fs, S509fs, S151fs, S548fs, S131fs, S568fs.
Identifiers: ClinVar variation 155958 (VCV000155958.1), dbSNP rs587781207, ClinGen allele CA333325.